The following is an entry in ClinVar:

ClinVar aggregate classification (germline): Conflicting classifications of pathogenicity. Review status: criteria provided, conflicting classifications (1 of 4 stars). 2 submissions from 2 submitters: Uncertain significance (1); Likely benign (1). Last evaluated 2025-05-10.

Conditions:
Hereditary cancer-predisposing syndrome. Also called: Tumor predisposition; Hereditary Cancer Syndrome; Neoplastic Syndromes, Hereditary; Hereditary neoplastic syndrome. Identifiers: Orphanet 140162, MedGen C0027672, MeSH D009386, MONDO:0015356.
Neurofibromatosis, type 2 (SWNV). Also called: BILATERAL ACOUSTIC NEUROFIBROMATOSIS; SCHWANNOMATOSIS, VESTIBULAR; NF2-Related Schwannomatosis. Identifiers: Orphanet 637, MedGen C0027832, MONDO:0007039, OMIM 101000. Disease mechanism: loss of function.

Submissions (2):

Ambry Genetics
Classification: Likely benign for Hereditary cancer-predisposing syndrome. Last evaluated: 2025-05-10. Review status: criteria provided, single submitter. Criteria: Ambry Variant Classification Scheme 2023. Collection method: clinical testing. Allele origin: germline.

Labcorp Genetics (formerly Invitae), Labcorp
Classification: Uncertain significance for Neurofibromatosis, type 2. Last evaluated: 2025-05-07. Review status: criteria provided, single submitter. Criteria: Invitae Variant Classification Sherloc (09022015). Collection method: clinical testing. Allele origin: germline.
Comment: This sequence change replaces serine, which is neutral and polar, with asparagine, which is neutral and polar, at codon 571 of the NF2 protein (p.Ser571Asn). This variant is not present in population databases (gnomAD no frequency). This variant has not been reported in the literature in individuals affected with NF2-related conditions. ClinVar contains an entry for this variant (Variation ID: 963835). Invitae Evidence Modeling of protein sequence and biophysical properties (such as structural, functional, and spatial information, amino acid conservation, physicochemical variation, residue mobility, and thermodynamic stability) indicates that this missense variant is not expected to disrupt NF2 protein function with a negative predictive value of 80%. In summary, the available evidence is currently insufficient to determine the role of this variant in disease. Therefore, it has been classified as a Variant of Uncertain Significance.

NM_000268.4(NF2):c.1712G>A (p.Ser571Asn)

Gene: NF2 (NF2, moesin-ezrin-radixin like (MERLIN) tumor suppressor; plus strand). Cytogenetic location: 22q12.2.
Variant type: single nucleotide variant.
Coding change: c.1712G>A on transcript NM_000268.4 (MANE Select); coding-DNA position 1712, G replaced by A.
Protein change: p.Ser571Asn; replaces serine 571 with asparagine.
Molecular consequence: missense variant. On other transcripts: non-coding transcript variant (1), intron variant (1).
Genome position (GRCh38, 1-based): chr22:29,681,576, G>A. VCF-style: chr22-29681576-G-A. GRCh37 (hg19) VCF-style: chr22-30077565-G-A.
Other names: c.1712G>A, p.Ser571Asn (NM_016418.5, NM_181825.3, NM_181832.3); c.1586G>A, p.Ser529Asn (NM_181828.3); c.1589G>A, p.Ser530Asn (NM_181829.3); c.1463G>A, p.Ser488Asn (NM_181830.3, NM_181831.3); c.448-13176G>A (NM_181833.3); short protein forms S488N, S529N, S571N, S530N.
Identifiers: ClinVar variation 963835 (VCV000963835.10), dbSNP rs2067137196, ClinGen allele CA411150451.